The following is an entry in ClinVar:

NM_014679.5(CEP57):c.260G>C (p.Arg87Thr)

Gene: CEP57 (centrosomal protein 57; plus strand). Cytogenetic location: 11q21.
Variant type: single nucleotide variant.
Coding change: c.260G>C on transcript NM_014679.5 (MANE Select); coding-DNA position 260, G replaced by C.
Protein change: p.Arg87Thr; replaces arginine 87 with threonine.
Molecular consequence: missense variant. On other transcripts: intron variant (3).
Genome position (GRCh38, 1-based): chr11:95,812,989, G>C. VCF-style: chr11-95812989-G-C. GRCh37 (hg19) VCF-style: chr11-95546153-G-C.
Other names: c.233G>C, p.Arg78Thr (NM_001243776.2); c.260G>C, p.Arg87Thr (NM_001243777.2, NM_001440871.1, NM_001440872.1 and 4 more transcripts); c.179G>C, p.Arg60Thr (NM_001363604.2, NM_001440869.1, NM_001440870.1 and 3 more transcripts); c.203-479G>C (NM_001440873.1, NM_001440881.1); c.122-479G>C (NM_001440880.1); short protein forms R60T, R78T, R87T.
Identifiers: ClinVar variation 5034361 (VCV005034361.1).
Genomic context (GRCh38, chr11:95,812,989, plus strand): 5'-CAGCCATATTTTCTGCTCTTAAGAATCTTCAAGATAAGATTCGACGCTTGGAACTTGAGA[G>C]GATTCAGGCAGAAGAAAGTGTGAAAACCTTGTCTAGAGAAACAATTGAATATAAGAAAGT-3'
Protein context (NP_055494.2, residues 77-97): QDKIRRLELE[Arg87Thr]IQAEESVKTL

ClinVar aggregate classification (germline): Uncertain significance (1 of 4 stars; one submission).

Conditions:
Inborn genetic diseases. Identifiers: MedGen C0950123, MeSH D030342.

gnomAD v4.1: 3 of 1,614,022 alleles (0.00019%); highest among the groups gnomAD compares: Non-Finnish European, 0.00025%; no homozygotes.

Submission:

Ambry Genetics
Classification: Uncertain significance for Inborn genetic diseases. Last evaluated: 2026-06-26. Review status: criteria provided, single submitter. Criteria: Ambry Variant Classification Scheme 2023. Collection method: clinical testing. Allele origin: germline.
Comment: The p.R87T variant (also known as c.260G>C), located in coding exon 3 of the CEP57 gene, results from a G to C substitution at nucleotide position 260. The arginine at codon 87 is replaced by threonine, an amino acid with similar properties. This amino acid position is conserved. In addition, this alteration is predicted to be deleterious by in silico analysis. Based on the available evidence, the clinical significance of this variant remains unclear.